The following is an entry in ClinVar:

NM_001080477.4(TENM3):c.6911C>T (p.Ala2304Val)

Gene: TENM3 (teneurin transmembrane protein 3; plus strand). Cytogenetic location: 4q35.1.
Variant type: single nucleotide variant.
Coding change: c.6911C>T on transcript NM_001080477.4 (MANE Select); coding-DNA position 6911, C replaced by T.
Protein change: p.Ala2304Val; replaces alanine 2304 with valine.
Molecular consequence: missense variant.
Genome position (GRCh38, 1-based): chr4:182,793,583, C>T. VCF-style: chr4-182793583-C-T. GRCh37 (hg19) VCF-style: chr4-183714736-C-T.
Other names: c.6143C>T, p.Ala2048Val (NM_001415960.1); c.6116C>T, p.Ala2039Val (NM_001415961.1); c.6113C>T, p.Ala2038Val (NM_001415962.1); c.6095C>T, p.Ala2032Val (NM_001415963.1); c.6092C>T, p.Ala2031Val (NM_001415964.1); c.6629C>T, p.Ala2210Val (NM_001415966.1); c.6653C>T, p.Ala2218Val (NM_001415967.1); c.6929C>T, p.Ala2310Val (NM_001415968.1); and 4 more; short protein forms A2039V, A2210V, A2218V, A2032V, A2038V, A2304V, A2031V, A2211V.
Identifiers: ClinVar variation 5006756 (VCV005006756.2).
Genomic context (GRCh38, chr4:182,793,583, plus strand): 5'-TGGAAATCAGCAGTGGGGATGAATTCTATATTGCATCGGATAACACAGGGACACCACTGG[C>T]TGTGTTCAGTAGCAATGGGCTTATGCTGAAACAGATTCAGTACACTGCATATGGGGAAAT-3'
Protein context (NP_001073946.1, residues 2294-2314): IASDNTGTPL[Ala2304Val]VFSSNGLMLK

ClinVar aggregate classification (germline): Uncertain significance (1 of 4 stars; one submission).

Conditions:
Microphthalmia, isolated, with coloboma 9 (MCOPCB9). Identifiers: Orphanet 98938, MedGen C3554592, MONDO:0014059, OMIM 615145.

gnomAD v4.1: 1 of 1,613,916 alleles (0.000062%); highest among the groups gnomAD compares: East Asian, 0.0022%; no homozygotes.

Submission:

Juno Genomics, Hangzhou Juno Genomics, Inc
Classification: Uncertain significance for Microphthalmia, isolated, with coloboma 9. Review status: criteria provided, single submitter. Criteria: ACMG Guidelines, 2015. Collection method: clinical testing. Allele origin: germline.
Comment: Absent from controls (or at extremely low frequency if recessive) in Genome Aggregation Database.;Missense variant in a gene that has a low rate of benign missense variation.;Multiple lines of computational evidence support a deleterious effect on the gene or gene product.